The following is an entry in ClinVar:

NM_014494.4(TNRC6A):c.3094C>T (p.Arg1032Cys)

Gene: TNRC6A (trinucleotide repeat containing adaptor 6A; plus strand). Cytogenetic location: 16p12.1.
Variant type: single nucleotide variant.
Coding change: c.3094C>T on transcript NM_014494.4 (MANE Select); coding-DNA position 3094, C replaced by T.
Protein change: p.Arg1032Cys; replaces arginine 1032 with cysteine.
Molecular consequence: missense variant.
Genome position (GRCh38, 1-based): chr16:24,791,736, C>T. VCF-style: chr16-24791736-C-T. GRCh37 (hg19) VCF-style: chr16-24803057-C-T.
Other names: c.3094C>T, p.Arg1032Cys (NM_001330520.3); c.3121C>T, p.Arg1041Cys (NM_001351850.2); short protein forms R1032C, R1041C.
Identifiers: ClinVar variation 3774541 (VCV003774541.1).

ClinVar aggregate classification (germline): Uncertain significance (1 of 4 stars; one submission).

Conditions:
Familial meningioma. Also called: Meningioma, familial, susceptibility to. Identifiers: Orphanet 263662, MedGen C3551915, MONDO:0011789, OMIM 607174.

gnomAD v4.1: 16 of 1,612,484 alleles (0.00099%); highest among the groups gnomAD compares: African/African-American, 0.004%; no homozygotes.

Submission:

Dr. Guy Rouleau's laboratory, McGill University
Classification: Uncertain significance for Familial meningioma. Last evaluated: 2025-03-22. Review status: criteria provided, single submitter. Criteria: ACMG Guidelines, 2015. Collection method: research. Allele origin: germline. Affected: yes.
Comment: This missense variant located at the position 1032, is change from an Arginine (R) basic amino acid, to Cysteine (C) sulfur-containing amino acid in TNRC6A gene. This variant has been reported in population database (gnomAD v2.1.1 allele frequency =0.00002143, exome coverage 35X). Based on the available evidence, the clinical significance of this variant is unknown.